The following is an entry in ClinVar:

ClinVar aggregate classification (germline): Uncertain significance (1 of 4 stars; one submission).

Allele frequency attached by ClinVar (database versions not stated): gnomAD exomes below 0.00001; ExAC 0.00001; gnomAD 0.00002.
gnomAD v4.1: 5 of 1,524,780 alleles (0.00033%); highest among the groups gnomAD compares: African/African-American, 0.0069%; 1 homozygote.

Submission:

Women's Health and Genetics/Laboratory Corporation of America, LabCorp
Classification: Uncertain significance. Last evaluated: 2023-06-30. Review status: criteria provided, single submitter. Criteria: LabCorp Variant Classification Summary - May 2015. Collection method: clinical testing. Allele origin: germline.
Comment: Variant summary: CFHR1 c.835G>A (p.Ala279Thr) results in a non-conservative amino acid change located in the Sushi/SCR/CCP domain (IPR000436) of the encoded protein sequence. Four of five in-silico tools predict a benign effect of the variant on protein function. The variant allele was found at a frequency of 4.2e-06 in 237128 control chromosomes (gnomAD). The available data on variant occurrences in the general population are insufficient to allow any conclusion about variant significance. To our knowledge, no occurrence of c.835G>A in individuals affected with Genetic Atypical Hemolytic Uremic Syndrome and no experimental evidence demonstrating its impact on protein function have been reported. No submitters have cited clinical-significance assessments for this variant to ClinVar after 2014. Based on the evidence outlined above, the variant was classified as uncertain significance.

NM_002113.3(CFHR1):c.835G>A (p.Ala279Thr)

Gene: CFHR1 (complement factor H related 1; plus strand). Cytogenetic location: 1q31.3.
Variant type: single nucleotide variant.
Coding change: c.835G>A on transcript NM_002113.3 (MANE Select); coding-DNA position 835, G replaced by A.
Protein change: p.Ala279Thr; replaces alanine 279 with threonine.
Molecular consequence: missense variant.
Genome position (GRCh38, 1-based): chr1:196,831,841, G>A. VCF-style: chr1-196831841-G-A. GRCh37 (hg19) VCF-style: chr1-196800971-G-A.
Other names: c.784G>A, p.Ala262Thr (NM_001379306.1); c.673G>A, p.Ala225Thr (NM_001379307.1); c.670G>A, p.Ala224Thr (NM_001379308.1); c.667G>A, p.Ala223Thr (NM_001379309.1); c.640G>A, p.Ala214Thr (NM_001379310.1); c.631G>A, p.Ala211Thr (NM_001379311.1); c.592G>A, p.Ala198Thr (NM_001379312.1); short protein forms A198T, A211T, A214T, A223T, A224T, A225T, A262T, A279T.
Identifiers: ClinVar variation 2573485 (VCV002573485.1), dbSNP rs769280099, ClinGen allele CA1306611.
Genomic context (GRCh38, chr1:196,831,841, plus strand): 5'-TGTTTTTTATTTTCAGATCCGTGTGTAATATCCCGAGAAATTATGGAAAATTATAACATA[G>A]CATTAAGGTGGACAGCCAAACAGAAGCTTTATTTGAGAACAGGTGAATCAGCTGAATTTG-3'
Protein context (NP_002104.2, residues 269-289): SREIMENYNI[Ala279Thr]LRWTAKQKLY